The following is an entry in ClinVar:

ClinVar aggregate classification (germline): Likely benign. Review status: criteria provided, multiple submitters, no conflicts (2 of 4 stars). 2 submissions from 2 submitters: Likely benign (2). Last evaluated 2026-09-08.

Conditions:
DST-related disorder. Also called: DST-related condition; DST-related disorders.
Hereditary sensory and autonomic neuropathy type 6. Also called: HSAN VI; Neuropathy, hereditary sensory and autonomic, type VI. Identifiers: Orphanet 314381, MedGen C3539003, MONDO:0013839, OMIM 614653.
Epidermolysis bullosa simplex 3, localized or generalized intermediate, with BP230 deficiency (EBS3). Also called: Epidermolysis bullosa simplex, autosomal recessive 2; Epidermolysis bullosa simplex due to BP230 deficiency. Identifiers: Orphanet 412181, MedGen C3809470, MONDO:0014180, OMIM 615425.

Allele frequency attached by ClinVar (database versions not stated): ExAC 0.00001; gnomAD exomes 0.00001.
gnomAD v4.1: 34 of 1,612,198 alleles (0.0021%); highest among the groups gnomAD compares: African/African-American, 0.0027%; no homozygotes.

Submissions (2):

PreventionGenetics, part of Exact Sciences
Classification: Likely benign for DST-related condition. Last evaluated: 2026-09-08. Review status: criteria provided, single submitter. Criteria: ACMG Guidelines, 2015. Collection method: clinical testing. Allele origin: germline.
Comment: This variant is classified as likely benign based on ACMG/AMP sequence variant interpretation guidelines (Richards et al. 2015 PMID: 25741868, with internal and published modifications).

Labcorp Genetics (formerly Invitae), Labcorp
Classification: Likely benign for Epidermolysis bullosa simplex 3, localized or generalized intermediate, with BP230 deficiency; Hereditary sensory and autonomic neuropathy type 6. Last evaluated: 2025-12-16. Review status: criteria provided, single submitter. Criteria: Invitae Variant Classification Sherloc (09022015). Collection method: clinical testing. Allele origin: germline.

NM_001374736.1(DST):c.22467C>T (p.Ile7489=)

Gene: DST (dystonin; minus strand). Cytogenetic location: 6p12.1.
Variant type: single nucleotide variant.
Coding change: c.22467C>T on transcript NM_001374736.1 (MANE Select); coding-DNA position 22467, C replaced by T.
Protein change: p.Ile7489=; no amino-acid change (isoleucine 7489 retained).
Molecular consequence: synonymous variant.
Genome position (GRCh38, 1-based): chr6:56,470,137, G>A on the plus strand (C>T on the coding strand, the complement: DST is on the minus strand). VCF-style: chr6-56470137-G-A. GRCh37 (hg19) VCF-style: chr6-56334935-G-A.
Other names: c.15576C>T, p.Ile5192= (NM_001386100.1, NM_183380.4); c.14598C>T, p.Ile4866= (NM_015548.5); c.16110C>T, p.Ile5370= (NM_001144769.5); c.15696C>T, p.Ile5232= (NM_001144770.2); c.22467C>T, p.Ile7489= (NM_001374722.1); c.21507C>T, p.Ile7169= (NM_001374729.1); c.15249C>T, p.Ile5083= (NM_001374730.1); c.22494C>T, p.Ile7498= (NM_001374734.1); and 1 more.
Identifiers: ClinVar variation 1082354 (VCV001082354.10), dbSNP rs765285817, ClinGen allele CA3866264.
Genomic context (GRCh38, chr6:56,470,137, plus strand): 5'-CGTGGCAGAACATACTATCAGTGTTGTACGCAATGGGAAGATAATGAGTACCTCATCTTC[G>A]ATTTTGTCGGCATCTGTGATAGGTTTATATGCATCTTTATTTGGGTGAAGGGCTGCTACA-3'
Protein context (NP_001361665.1, residues 7479-7499): AYKPITDADK[Ile7489=]EDEVTRQVAK